The following is an entry in ClinVar:

NM_006431.3(CCT2):c.806A>G (p.His269Arg)

Gene: CCT2 (chaperonin containing TCP1 subunit 2; plus strand). Cytogenetic location: 12q15.
Variant type: single nucleotide variant.
Coding change: c.806A>G on transcript NM_006431.3 (MANE Select); coding-DNA position 806, A replaced by G.
Protein change: p.His269Arg; replaces histidine 269 with arginine.
Molecular consequence: missense variant.
Genome position (GRCh38, 1-based): chr12:69,593,031, A>G. VCF-style: chr12-69593031-A-G. GRCh37 (hg19) VCF-style: chr12-69986811-A-G.
Other names: c.665A>G, p.His222Arg (NM_001198842.2); short protein forms H269R, H222R.
Identifiers: ClinVar variation 1466785 (VCV001466785.6), dbSNP rs2135854872, ClinGen allele CA385728403.
Genomic context (GRCh38, chr12:69,593,031, plus strand): 5'-CTTAGATATTTGGTTCCCGGGTAAGAGTTGACTCTACAGCAAAGGTTGCAGAAATAGAAC[A>G]TGCGGAAAAGGAAAAAATGAAGGAGAAAGTTGAACGTATTCTTAAGCATGGAATAAATTG-3'
Protein context (NP_006422.1, residues 259-279): DSTAKVAEIE[His269Arg]AEKEKMKEKV

ClinVar aggregate classification (germline): Uncertain significance (1 of 4 stars; one submission).

Submission:

Labcorp Genetics (formerly Invitae), Labcorp
Classification: Uncertain significance. Last evaluated: 2024-05-20. Review status: criteria provided, single submitter. Criteria: Invitae Variant Classification Sherloc (09022015). Collection method: clinical testing. Allele origin: germline.
Comment: This sequence change replaces histidine, which is basic and polar, with arginine, which is basic and polar, at codon 269 of the CCT2 protein (p.His269Arg). This variant is not present in population databases (gnomAD no frequency). This variant has not been reported in the literature in individuals affected with CCT2-related conditions. ClinVar contains an entry for this variant (Variation ID: 1466785). An algorithm developed to predict the effect of missense changes on protein structure and function (PolyPhen-2) suggests that this variant is likely to be tolerated. In summary, the available evidence is currently insufficient to determine the role of this variant in disease. Therefore, it has been classified as a Variant of Uncertain Significance.